The following is an entry in ClinVar:

ClinVar aggregate classification (germline): Uncertain significance. Review status: criteria provided, multiple submitters, no conflicts (2 of 4 stars). 3 submissions from 3 submitters: Uncertain significance (3). Last evaluated 2023-09-01.

Conditions:
Inborn genetic diseases. Identifiers: MedGen C0950123, MeSH D030342.

Allele frequency attached by ClinVar (database versions not stated): gnomAD 0.00002; gnomAD exomes 0.00003; TOPMed 0.00003; ExAC 0.00007.
gnomAD v4.1: 43 of 1,613,912 alleles (0.0027%); highest among the groups gnomAD compares: Non-Finnish European, 0.0034%; no homozygotes.

Submissions (3):

CeGaT Center for Human Genetics Tuebingen
Classification: Uncertain significance. Last evaluated: 2023-09-01. Review status: criteria provided, single submitter. Criteria: CeGaT Center For Human Genetics Tuebingen Variant Classification Criteria Version 2. Collection method: clinical testing. Allele origin: germline. Affected: yes. Observed: 1 variant allele.
Comment: ARHGEF18: PM2, BP4

Ambry Genetics
Classification: Uncertain significance for Inborn genetic diseases. Last evaluated: 2022-08-17. Review status: criteria provided, single submitter. Criteria: Ambry Variant Classification Scheme 2023. Collection method: clinical testing. Allele origin: germline.

Blueprint Genetics
Classification: Uncertain significance. Last evaluated: 2022-06-28. Review status: criteria provided, single submitter. Criteria: ACMG Guidelines, 2015. Collection method: clinical testing. Allele origin: germline.

NM_001367823.1(ARHGEF18):c.1927G>A (p.Ala643Thr)

Gene: ARHGEF18 (Rho/Rac guanine nucleotide exchange factor 18; plus strand). Cytogenetic location: 19p13.2.
Variant type: single nucleotide variant.
Coding change: c.1927G>A on transcript NM_001367823.1 (MANE Select); coding-DNA position 1927, G replaced by A.
Protein change: p.Ala643Thr; replaces alanine 643 with threonine.
Molecular consequence: missense variant.
Genome position (GRCh38, 1-based): chr19:7,453,538, G>A. VCF-style: chr19-7453538-G-A. GRCh37 (hg19) VCF-style: chr19-7518424-G-A.
Other names: c.1201G>A, p.Ala401Thr (NM_001130955.2); c.889G>A, p.Ala297Thr (NM_001367824.1, NM_015318.4); short protein forms A643T, A297T, A401T.
Identifiers: ClinVar variation 2207586 (VCV002207586.27), dbSNP rs781679271, ClinGen allele CA9136677.